The following is an entry in ClinVar:

NM_000492.4(CFTR):c.4307_4320del (p.Leu1436fs)

Genes: CFTR (CF transmembrane conductance regulator; plus strand), LOC111674477 (CFTR intron 23 enhancer; plus strand). Cytogenetic location: 7q31.2.
Variant type: Deletion.
Coding change: c.4307_4320del on transcript NM_000492.4 (MANE Select); coding-DNA positions 4307 to 4320, 14 bases deleted (TCTTCCGGCAAGCC).
Protein change: p.Leu1436fs; shifts the reading frame from leucine 1436.
Molecular consequence: frameshift variant.
Genome position (GRCh38, 1-based): chr7:117,666,972-117,666,985, TCTTCCGGCAAGCC deleted; deleting any 14 consecutive bases within chr7:117,666,968-117,666,985 gives the same sequence; the c. name uses the placement nearest the transcript's 3' end. VCF-style (leftmost placement, unchanged base first): chr7-117666967-GAGCCTCTTCCGGCA-G. GRCh37 (hg19) VCF-style: chr7-117307021-GAGCCTCTTCCGGCA-G.
Other names: c.4307_4320del14 (NM_000492.3); short protein forms L1436fs.
Identifiers: ClinVar variation 632753 (VCV000632753.1), dbSNP rs1562929573, ClinGen allele CA913189950.

ClinVar aggregate classification (germline): Likely pathogenic (1 of 4 stars; one submission).

Submission:

Women's Health and Genetics/Laboratory Corporation of America, LabCorp
Classification: Likely pathogenic. Last evaluated: 2018-10-12. Review status: criteria provided, single submitter. Criteria: LabCorp Variant Classification Summary - May 2015. Collection method: clinical testing. Allele origin: germline.
Comment: Variant summary: CFTR c.4307_4320del14 (p.Leu1436HisfsX21) results in a premature termination codon, predicted to cause a truncation of the encoded protein or absence of the protein due to nonsense mediated decay, which are commonly known mechanisms for disease. Truncations downstream of this position have been classified as pathogenic by our laboratory (e.g., p.Ser1455X and p.Gln1476X). This variant is likely to disrupt the ABC transporter-like domain at the C-terminal of the encoded protein. The variant was absent in 245714 control chromosomes (gnomAD). To our knowledge, no occurrence of c.4307_4320del14 in individuals affected with Cystic Fibrosis and no experimental evidence demonstrating its impact on protein function have been reported. No clinical diagnostic laboratories have submitted clinical-significance assessments for this variant to ClinVar after 2014. Based on the evidence outlined above, the variant was classified as likely pathogenic.